The following is an entry in ClinVar:

NM_003313.4(GFUS):c.366G>T (p.Thr122=)

Gene: GFUS (GDP-L-fucose synthase; minus strand). Cytogenetic location: 8q24.3.
Variant type: single nucleotide variant.
Coding change: c.366G>T on transcript NM_003313.4 (MANE Select); coding-DNA position 366, G replaced by T.
Protein change: p.Thr122=; no amino-acid change (threonine 122 retained).
Molecular consequence: synonymous variant. On other transcripts: non-coding transcript variant (2).
Genome position (GRCh38, 1-based): chr8:143,614,811, C>A on the plus strand (G>T on the coding strand, the complement: GFUS is on the minus strand). VCF-style: chr8-143614811-C-A. GRCh37 (hg19) VCF-style: chr8-144696981-C-A.
Other names: c.384G>T, p.Thr128= (NM_001317783.2); c.435G>T, p.Thr145= (NM_001413407.1); c.366G>T, p.Thr122= (NM_001413408.1, NM_001413410.1, NM_001413411.1); c.501G>T, p.Thr167= (NM_001413409.1); c.153G>T, p.Thr51= (NM_001413412.1); c.390G>T, p.Thr130= (NM_001413413.1).
Identifiers: ClinVar variation 5039526 (VCV005039526.1).

ClinVar aggregate classification (germline): Likely benign (1 of 4 stars; one submission).

gnomAD v4.1: 7 of 1,613,586 alleles (0.00043%); highest among the groups gnomAD compares: Admixed American, 0.005%; no homozygotes.

Submission:

CeGaT Center for Human Genetics Tuebingen
Classification: Likely benign. Last evaluated: 2026-08-01. Review status: criteria provided, single submitter. Criteria: CeGaT Center For Human Genetics Tuebingen Variant Classification Criteria Version 2. Collection method: clinical testing. Allele origin: germline. Affected: yes. Observed: 1 variant allele.
Comment: GFUS: BP4, BP7